The following is an entry in ClinVar:

ClinVar aggregate classification (germline): Uncertain significance. Review status: criteria provided, multiple submitters, no conflicts (2 of 4 stars). 2 submissions from 2 submitters: Uncertain significance (2). Last evaluated 2026-02-07.

Conditions:
Bloom syndrome (BLM). Also called: Bloom-Torre-Machacek syndrome. Identifiers: Orphanet 125, MedGen C0005859, MONDO:0008876, OMIM 210900.
Hereditary cancer-predisposing syndrome. Also called: Hereditary Cancer Syndrome; Tumor predisposition; Neoplastic Syndromes, Hereditary; Hereditary neoplastic syndrome. Identifiers: Orphanet 140162, MedGen C0027672, MeSH D009386, MONDO:0015356.

gnomAD v4.1: 2 of 1,468,256 alleles (0.00014%); highest among the groups gnomAD compares: Non-Finnish European, 0.00019%; no homozygotes.

Submissions (2):

Ambry Genetics
Classification: Uncertain significance for Hereditary cancer-predisposing syndrome. Last evaluated: 2026-02-07. Review status: criteria provided, single submitter. Criteria: Ambry Variant Classification Scheme 2023. Collection method: clinical testing. Allele origin: germline.
Comment: The c.2307+5G>C intronic variant results from a G to C substitution 5 nucleotides after coding exon 9 in the BLM gene. This nucleotide position is highly conserved in available vertebrate species. In silico splice site analysis predicts that this alteration will weaken the native splice donor site. Based on the available evidence, the clinical significance of this variant remains unclear.

Labcorp Genetics (formerly Invitae), Labcorp
Classification: Uncertain significance for Bloom syndrome. Last evaluated: 2023-03-28. Review status: criteria provided, single submitter. Criteria: Invitae Variant Classification Sherloc (09022015). Collection method: clinical testing. Allele origin: germline.
Comment: This sequence change falls in intron 10 of the BLM gene. It does not directly change the encoded amino acid sequence of the BLM protein. It affects a nucleotide within the consensus splice site. This variant is not present in population databases (gnomAD no frequency). This variant has not been reported in the literature in individuals affected with BLM-related conditions. ClinVar contains an entry for this variant (Variation ID: 844811). Variants that disrupt the consensus splice site are a relatively common cause of aberrant splicing (PMID: 17576681, 9536098). Algorithms developed to predict the effect of sequence changes on RNA splicing suggest that this variant may disrupt the consensus splice site. In summary, the available evidence is currently insufficient to determine the role of this variant in disease. Therefore, it has been classified as a Variant of Uncertain Significance.

Literature cited by the submitters: PubMed 17576681 (cited by Labcorp Genetics (formerly Invitae), Labcorp); PubMed 9536098 (cited by Labcorp Genetics (formerly Invitae), Labcorp).

NM_000057.4(BLM):c.2307+5G>C

Gene: BLM (BLM RecQ like helicase; plus strand). Cytogenetic location: 15q26.1.
Variant type: single nucleotide variant.
Coding change: c.2307+5G>C on transcript NM_000057.4 (MANE Select); 5 bases into the intron after coding-DNA position 2307, G replaced by C.
Molecular consequence: intron variant.
Genome position (GRCh38, 1-based): chr15:90,767,028, G>C. VCF-style: chr15-90767028-G-C. GRCh37 (hg19) VCF-style: chr15-91310258-G-C.
Other names: c.2307+5G>C (NM_001287246.2, NM_001287247.2); c.1182+5G>C (NM_001287248.2).
Identifiers: ClinVar variation 844811 (VCV000844811.11), dbSNP rs1596236061, ClinGen allele CA916080561.